The following is an entry in ClinVar:

NM_206965.2(FTCD):c.492del (p.Ser165fs)

Genes: FTCD-AS1 (FTCD antisense RNA 1; plus strand), FTCD (formimidoyltransferase cyclodeaminase; minus strand). Cytogenetic location: 21q22.3.
Variant type: Deletion.
Coding change: c.492del on transcript NM_206965.2 (MANE Select); coding-DNA position 492, one base deleted (C; older notation c.492delC).
Protein change: p.Ser165fs; shifts the reading frame from serine 165.
Molecular consequence: frameshift variant. On other transcripts: non-coding transcript variant (1).
Genome position (GRCh38, 1-based): chr21:46,151,702, G deleted on the plus strand (C on the coding strand, the reverse complement: FTCD is on the minus strand); the first of 3 consecutive G bases (chr21:46,151,702-46,151,704); deleting any one gives the same sequence. VCF-style (leftmost placement, unchanged base first): chr21-46151701-TG-T. GRCh37 (hg19) VCF-style: chr21-47571615-TG-T.
Other names: c.492del, p.Ser165fs (NM_001320412.2, NM_006657.3); short protein forms S165fs.
Identifiers: ClinVar variation 3669848 (VCV003669848.2).

ClinVar aggregate classification (germline): Pathogenic (1 of 4 stars; one submission).

Conditions:
Glutamate formiminotransferase deficiency. Also called: Formiminoglutamic aciduria; Arakawa syndrome 1. Identifiers: Orphanet 51208, MedGen C0268609, MONDO:0009240, OMIM 229100.

Submission:

Labcorp Genetics (formerly Invitae), Labcorp
Classification: Pathogenic for Glutamate formiminotransferase deficiency. Last evaluated: 2024-03-04. Review status: criteria provided, single submitter. Criteria: Invitae Variant Classification Sherloc (09022015). Collection method: clinical testing. Allele origin: germline.
Comment: This sequence change creates a premature translational stop signal (p.Ser165Alafs*52) in the FTCD gene. It is expected to result in an absent or disrupted protein product. Loss-of-function variants in FTCD are known to be pathogenic (PMID: 29178637, 30740726). The frequency data for this variant in the population databases is considered unreliable, as metrics indicate poor data quality at this position in the gnomAD database. This variant has not been reported in the literature in individuals affected with FTCD-related conditions. For these reasons, this variant has been classified as Pathogenic.

Literature cited by the submitters: PubMed 29178637; PubMed 30740726.